The following is an entry in ClinVar:

NM_175875.5(SIX5):c.994G>A (p.Gly332Ser)

Genes: SIX5 (SIX homeobox 5; minus strand), LOC107075317 (origin of replication in DMPK trinucleotide repeat region; plus strand). Cytogenetic location: 19q13.32.
Variant type: single nucleotide variant.
Coding change: c.994G>A on transcript NM_175875.5 (MANE Select); coding-DNA position 994, G replaced by A.
Protein change: p.Gly332Ser; replaces glycine 332 with serine.
Molecular consequence: missense variant.
Genome position (GRCh38, 1-based): chr19:45,766,965, C>T on the plus strand (G>A on the coding strand, the complement: SIX5 is on the minus strand). VCF-style: chr19-45766965-C-T. GRCh37 (hg19) VCF-style: chr19-46270223-C-T.
Other names: short protein forms G332S.
Identifiers: ClinVar variation 3352746 (VCV003352746.1).
Genomic context (GRCh38, chr19:45,766,965, plus strand): 5'-CGCCCAGGGCCAGGCCGTTGATGATGACGGGGCCCCCGTTGAGGAGCACTGCTGGGGAGC[C>T]GCTGGCTGCCAGGAAGCTCCCGTTCACCAGGATGGAGGAGGAAGCCGGGCAAGGCGCGGG-3'
Protein context (NP_787071.3, residues 322-342): LVNGSFLAAS[Gly332Ser]SPAVLLNGGP

ClinVar aggregate classification (germline): Uncertain significance (0 of 4 stars; one submission).

Conditions:
SIX5-related disorder. Also called: SIX5-related condition.

Submission:

PreventionGenetics, part of Exact Sciences
Classification: Uncertain significance for SIX5-related condition. Last evaluated: 2024-04-26. Review status: no assertion criteria provided. Collection method: clinical testing. Allele origin: germline.
Comment: The SIX5 c.994G>A variant is predicted to result in the amino acid substitution p.Gly332Ser. To our knowledge, this variant has not been reported in the literature. This variant is reported in 0.015% of alleles in individuals of South Asian descent in gnomAD. At this time, the clinical significance of this variant is uncertain due to the absence of conclusive functional and genetic evidence.